The following is an entry in ClinVar:

ClinVar aggregate classification (germline): Likely pathogenic (1 of 4 stars; one submission).

Submission:

GeneDx
Classification: Likely pathogenic. Last evaluated: 2020-04-01. Review status: criteria provided, single submitter. Criteria: GeneDx Variant Classification Process June 2021. Collection method: clinical testing. Allele origin: germline. Affected: yes.
Comment: Nonsense variant predicted to result in protein truncation or nonsense mediated decay in a gene for which loss-of-function is a known mechanism of disease; Not observed in large population cohorts (Lek et al., 2016); Has not been previously published as pathogenic or benign to our knowledge

NM_001163809.2(WDR81):c.1423G>T (p.Glu475Ter)

Gene: WDR81 (WD repeat domain 81; plus strand). Cytogenetic location: 17p13.3.
Variant type: single nucleotide variant.
Coding change: c.1423G>T on transcript NM_001163809.2 (MANE Select); coding-DNA position 1423, G replaced by T.
Protein change: p.Glu475Ter; replaces glutamic acid 475 with a stop codon.
Molecular consequence: nonsense. On other transcripts: intron variant (3).
Genome position (GRCh38, 1-based): chr17:1,726,382, G>T. VCF-style: chr17-1726382-G-T. GRCh37 (hg19) VCF-style: chr17-1629676-G-T.
Other names: c.-123-1608G>T (NM_152348.4); c.59-3998G>T (NM_001163673.2); c.-15+1596G>T (NM_001163811.2); short protein forms E475*.
Identifiers: ClinVar variation 620447 (VCV000620447.2), dbSNP rs1567718875, ClinGen allele CA397588246.